The following is an entry in ClinVar:

NM_001110556.2(FLNA):c.2875A>G (p.Ser959Gly)

Gene: FLNA (filamin A; minus strand). Cytogenetic location: Xq28.
Variant type: single nucleotide variant.
Coding change: c.2875A>G on transcript NM_001110556.2 (MANE Select); coding-DNA position 2875, A replaced by G.
Protein change: p.Ser959Gly; replaces serine 959 with glycine.
Molecular consequence: missense variant.
Genome position (GRCh38, 1-based): chrX:154,361,739, T>C on the plus strand (A>G on the coding strand, the complement: FLNA is on the minus strand). VCF-style: chrX-154361739-T-C. GRCh37 (hg19) VCF-style: chrX-153590107-T-C.
Other names: c.2875A>G, p.Ser959Gly (NM_001456.4); short protein forms S959G.
Identifiers: ClinVar variation 2116166 (VCV002116166.4), dbSNP rs2522745892, ClinGen allele CA415231649.

ClinVar aggregate classification (germline): Uncertain significance (1 of 4 stars; one submission).

Conditions:
Melnick-Needles syndrome (MNS). Also called: MELNICK-NEEDLES OSTEODYSPLASTY; OSTEODYSPLASTY OF MELNICK AND NEEDLES; Melnick-Needles Syndrome (FLNA-MNS). Identifiers: Orphanet 2484, MedGen C0025237, MONDO:0010650, OMIM 309350.
Heterotopia, periventricular, X-linked dominant (PVNH1). Also called: PERIVENTRICULAR NODULAR HETEROTOPIA 1; X-linked periventricular heterotopia; PERIVENTRICULAR NODULAR HETEROTOPIA 4; HETEROTOPIA, PERIVENTRICULAR, 1. Identifiers: Orphanet 2149, Orphanet 82004, MedGen C1848213, MONDO:0010233, OMIM 300049.
Frontometaphyseal dysplasia (FMD1). Identifiers: Orphanet 1826, MedGen C0265293, MONDO:0015942.
Oto-palato-digital syndrome, type II (OPD2). Also called: FACIOPALATOOSSEOUS SYNDROME; OPD II SYNDROME; Otopalatodigital Syndrome Type 2 (FLNA-OPD2); Otopalatodigital Syndrome, Type II. Identifiers: Orphanet 669, Orphanet 90652, MedGen C1844696, MONDO:0010571, OMIM 304120.

Submission:

Labcorp Genetics (formerly Invitae), Labcorp
Classification: Uncertain significance for Oto-palato-digital syndrome, type II; Heterotopia, periventricular, X-linked dominant; Frontometaphyseal dysplasia; Melnick-Needles syndrome. Last evaluated: 2022-03-23. Review status: criteria provided, single submitter. Criteria: Invitae Variant Classification Sherloc (09022015). Collection method: clinical testing. Allele origin: germline.
Comment: This sequence change replaces serine, which is neutral and polar, with glycine, which is neutral and non-polar, at codon 959 of the FLNA protein (p.Ser959Gly). This variant is not present in population databases (gnomAD no frequency). This variant has not been reported in the literature in individuals affected with FLNA-related conditions. Advanced modeling of protein sequence and biophysical properties (such as structural, functional, and spatial information, amino acid conservation, physicochemical variation, residue mobility, and thermodynamic stability) performed at Invitae indicates that this missense variant is not expected to disrupt FLNA protein function. In summary, the available evidence is currently insufficient to determine the role of this variant in disease. Therefore, it has been classified as a Variant of Uncertain Significance.